The following is an entry in ClinVar:

NM_203486.3(DLL3):c.590C>T (p.Pro197Leu)

Genes: DLL3 (delta like canonical Notch ligand 3; plus strand), LOC130064417 (ATAC-STARR-seq lymphoblastoid silent region 10608; plus strand). Cytogenetic location: 19q13.2.
Variant type: single nucleotide variant.
Coding change: c.590C>T on transcript NM_203486.3 (MANE Select); coding-DNA position 590, C replaced by T.
Protein change: p.Pro197Leu; replaces proline 197 with leucine.
Molecular consequence: missense variant.
Genome position (GRCh38, 1-based): chr19:39,502,995, C>T. VCF-style: chr19-39502995-C-T. GRCh37 (hg19) VCF-style: chr19-39993635-C-T.
Other names: c.590C>T, p.Pro197Leu (NM_016941.4); short protein forms P197L.
Identifiers: ClinVar variation 2013267 (VCV002013267.4), dbSNP rs2079619386, ClinGen allele CA405796059.
Genomic context (GRCh38, chr19:39,502,995, plus strand): 5'-GCTGCGAGCCGCCTGCCGTCGGGACCGCGTGCACGCGCCTCTGCCGTCCGCGCAGCGCCC[C>T]CTCGCGGTGCGGTCCGGGACTGCGCCCCTGCGCACCGCTCGAGGACGAATGTGAGGCGCC-3'
Protein context (NP_982353.1, residues 187-207): CTRLCRPRSA[Pro197Leu]SRCGPGLRPC

ClinVar aggregate classification (germline): Uncertain significance (1 of 4 stars; one submission).

Allele frequency attached by ClinVar (database versions not stated): gnomAD exomes below 0.00001.
gnomAD v4.1: 1 of 1,484,496 alleles (0.000067%); highest among the groups gnomAD compares: African/African-American, 0.0015%; no homozygotes.

Submission:

Labcorp Genetics (formerly Invitae), Labcorp
Classification: Uncertain significance. Last evaluated: 2022-07-02. Review status: criteria provided, single submitter. Criteria: Invitae Variant Classification Sherloc (09022015). Collection method: clinical testing. Allele origin: germline.
Comment: In summary, the available evidence is currently insufficient to determine the role of this variant in disease. Therefore, it has been classified as a Variant of Uncertain Significance. Algorithms developed to predict the effect of missense changes on protein structure and function are either unavailable or do not agree on the potential impact of this missense change (SIFT: "Deleterious"; PolyPhen-2: "Benign"; Align-GVGD: "Class C0"). This variant has not been reported in the literature in individuals affected with DLL3-related conditions. This variant is not present in population databases (gnomAD no frequency). This sequence change replaces proline, which is neutral and non-polar, with leucine, which is neutral and non-polar, at codon 197 of the DLL3 protein (p.Pro197Leu).